The following is an entry in ClinVar:

NM_007194.4(CHEK2):c.904G>C (p.Glu302Gln)

Gene: CHEK2 (checkpoint kinase 2; minus strand). Cytogenetic location: 22q12.1.
Variant type: single nucleotide variant.
Coding change: c.904G>C on transcript NM_007194.4 (MANE Select); coding-DNA position 904, G replaced by C.
Protein change: p.Glu302Gln; replaces glutamic acid 302 with glutamine.
Molecular consequence: missense variant.
Genome position (GRCh38, 1-based): chr22:28,703,509, C>G on the plus strand (G>C on the coding strand, the complement: CHEK2 is on the minus strand). VCF-style: chr22-28703509-C-G. GRCh37 (hg19) VCF-style: chr22-29099497-C-G.
Other names: c.1033G>C, p.Glu345Gln (NM_001005735.3); c.241G>C, p.Glu81Gln (NM_001257387.3); c.703G>C, p.Glu235Gln (NM_001349956.3); c.904G>C, p.Glu302Gln (NM_145862.3); short protein forms E302Q, E235Q, E345Q, E81Q.
Identifiers: ClinVar variation 483386 (VCV000483386.16), dbSNP rs587782460, ClinGen allele CA411100924.

ClinVar aggregate classification (germline): Uncertain significance. Review status: criteria provided, multiple submitters, no conflicts (2 of 4 stars). 2 submissions from 2 submitters: Uncertain significance (2). Last evaluated 2023-06-02.

Conditions:
Hereditary cancer-predisposing syndrome. Also called: Neoplastic Syndromes, Hereditary; Tumor predisposition; Hereditary Cancer Syndrome; Hereditary neoplastic syndrome. Identifiers: Orphanet 140162, MedGen C0027672, MeSH D009386, MONDO:0015356.
Familial cancer of breast. Also called: BREAST CANCER, FAMILIAL; Hereditary breast cancer; hereditary breast carcinoma. Identifiers: Orphanet 227535, MedGen C0346153, MONDO:0016419, OMIM 114480. Disease mechanism: loss of function.

Submissions (2):

Labcorp Genetics (formerly Invitae), Labcorp
Classification: Uncertain significance for Familial cancer of breast. Last evaluated: 2023-06-02. Review status: criteria provided, single submitter. Criteria: Invitae Variant Classification Sherloc (09022015). Collection method: clinical testing. Allele origin: germline.
Comment: In summary, the available evidence is currently insufficient to determine the role of this variant in disease. Therefore, it has been classified as a Variant of Uncertain Significance. An algorithm developed to predict the effect of missense changes on protein structure and function (PolyPhen-2) suggests that this variant is likely to be disruptive. ClinVar contains an entry for this variant (Variation ID: 483386). This variant has not been reported in the literature in individuals affected with CHEK2-related conditions. This variant is not present in population databases (gnomAD no frequency). This sequence change replaces glutamic acid, which is acidic and polar, with glutamine, which is neutral and polar, at codon 302 of the CHEK2 protein (p.Glu302Gln).

Ambry Genetics
Classification: Uncertain significance for Hereditary cancer-predisposing syndrome. Last evaluated: 2018-11-21. Review status: criteria provided, single submitter. Criteria: Ambry Variant Classification Scheme 2023. Collection method: clinical testing. Allele origin: germline.
Comment: The p.E302Q variant (also known as c.904G>C), located in coding exon 7 of the CHEK2 gene, results from a G to C substitution at nucleotide position 904. The glutamic acid at codon 302 is replaced by glutamine, an amino acid with highly similar properties. This amino acid position is highly conserved in available vertebrate species. In addition, this alteration is predicted to be deleterious by in silico analysis. Since supporting evidence is limited at this time, the clinical significance of this alteration remains unclear.